The following is an entry in ClinVar:

NM_022489.4(INF2):c.3501C>A (p.Gly1167=)

Gene: INF2 (inverted formin 2; plus strand). Cytogenetic location: 14q32.33.
Variant type: single nucleotide variant.
Coding change: c.3501C>A on transcript NM_022489.4 (MANE Select); coding-DNA position 3501, C replaced by A.
Protein change: p.Gly1167=; no amino-acid change (glycine 1167 retained).
Molecular consequence: synonymous variant.
Genome position (GRCh38, 1-based): chr14:104,714,663, C>A. VCF-style: chr14-104714663-C-A. GRCh37 (hg19) VCF-style: chr14-105181000-C-A.
Other names: c.3501C>A, p.Gly1167= (NM_001031714.4).
Identifiers: ClinVar variation 695259 (VCV000695259.12), dbSNP rs776977547, ClinGen allele CA7373278.

ClinVar aggregate classification (germline): Likely benign. Review status: criteria provided, multiple submitters, no conflicts (2 of 4 stars). 3 submissions from 3 submitters: Likely benign (3). Last evaluated 2025-06-02.

Conditions:
Charcot-Marie-Tooth disease dominant intermediate E. Also called: CHARCOT-MARIE-TOOTH NEUROPATHY WITH FOCAL SEGMENTAL GLOMERULONEPHRITIS. Identifiers: Orphanet 93114, MedGen C4302667, MONDO:0013758, OMIM 614455.
Focal segmental glomerulosclerosis 5 (FSGS5). Identifiers: Orphanet 656, MedGen C2750475, MONDO:0013191, OMIM 613237.
INF2-related disorder. Also called: INF2-related condition.

Allele frequency attached by ClinVar (database versions not stated): gnomAD exomes 0.00002 and 0.00004; TOPMed 0.00002; gnomAD 0.00001; ExAC 0.00002.
gnomAD v4.1: 54 of 1,612,238 alleles (0.0033%); highest among the groups gnomAD compares: Non-Finnish European, 0.0044%; no homozygotes.

Submissions (3):

Labcorp Genetics (formerly Invitae), Labcorp
Classification: Likely benign for Charcot-Marie-Tooth disease dominant intermediate E; Focal segmental glomerulosclerosis 5. Last evaluated: 2025-06-02. Review status: criteria provided, single submitter. Criteria: Invitae Variant Classification Sherloc (09022015). Collection method: clinical testing. Allele origin: germline.

PreventionGenetics, part of Exact Sciences
Classification: Likely benign for INF2-related condition. Last evaluated: 2025-03-13. Review status: criteria provided, single submitter. Criteria: ACMG Guidelines, 2015. Collection method: clinical testing. Allele origin: germline.
Comment: This variant is classified as likely benign based on ACMG/AMP sequence variant interpretation guidelines (Richards et al. 2015 PMID: 25741868, with internal and published modifications).

Blueprint Genetics
Classification: Likely benign. Last evaluated: 2024-02-26. Review status: criteria provided, single submitter. Criteria: ACMG Guidelines, 2015. Collection method: clinical testing. Allele origin: germline.